The following is an entry in ClinVar:

ClinVar aggregate classification (germline): Likely pathogenic (1 of 4 stars; one submission).

Conditions:
Retinitis pigmentosa 19 (RP19). Also called: ABCA4-Related Retinitis Pigmentosa. Identifiers: Orphanet 791, MedGen C1866422, MONDO:0011137, OMIM 601718.

Submission:

3billion
Classification: Likely pathogenic for Retinitis pigmentosa 19. Last evaluated: 2024-01-09. Review status: criteria provided, single submitter. Criteria: ACMG Guidelines, 2015. Collection method: clinical testing. Allele origin: germline. Affected: yes.
Comment: The variant is not observed in the gnomAD v2.1.1 dataset. Predicted Consequence/Location: Canonical splice site: predicted to alter splicing and result in a loss or disruption of normal protein function. Multiple pathogenic loss-of-function variants are reported downstream of the variant. Therefore, this variant is classified as Likely pathogenic according to the recommendation of ACMG/AMP guideline.

NM_000350.3(ABCA4):c.1239+1G>T

Gene: ABCA4 (ATP binding cassette subfamily A member 4; minus strand). Cytogenetic location: 1p22.1.
Variant type: single nucleotide variant.
Coding change: c.1239+1G>T on transcript NM_000350.3 (MANE Select); the canonical splice donor site of the intron after coding-DNA position 1239, G replaced by T.
Molecular consequence: splice donor variant.
Genome position (GRCh38, 1-based): chr1:94,079,321, C>A on the plus strand (G>T on the coding strand, the complement: ABCA4 is on the minus strand). VCF-style: chr1-94079321-C-A. GRCh37 (hg19) VCF-style: chr1-94544877-C-A.
Other names: c.1239+1G>T (NM_001425324.1).
Identifiers: ClinVar variation 3775710 (VCV003775710.1).